The following is an entry in ClinVar:

ClinVar aggregate classification (germline): Benign/Likely benign. Review status: criteria provided, multiple submitters, no conflicts (2 of 4 stars). 9 submissions from 9 submitters: Benign (5); Likely benign (2). 2 of the submissions do not count toward it. Last evaluated 2026-02-04.

Conditions:
Combined immunodeficiency due to LRBA deficiency. Also called: Common variable immunodeficiency 8, with autoimmunity. Identifiers: Orphanet 445018, MedGen C3553512, MONDO:0013863, OMIM 614700.

Allele frequency attached by ClinVar (database versions not stated): 1000 Genomes Project 0.00958; 1000 Genomes Project 30x 0.01015; TOPMed 0.01759; gnomAD 0.01867 and 0.01896; gnomAD exomes 0.02122 and 0.02675; ExAC 0.02172; ESP Exome Variant Server 0.02222.
gnomAD v4.1: 40,197 of 1,550,800 alleles (2.6%); highest among the groups gnomAD compares: Non-Finnish European, 2.9%; 615 homozygotes.

Submissions (9):

Labcorp Genetics (formerly Invitae), Labcorp
Classification: Benign for Combined immunodeficiency due to LRBA deficiency. Last evaluated: 2026-02-04. Review status: criteria provided, single submitter. Criteria: Invitae Variant Classification Sherloc (09022015). Collection method: clinical testing. Allele origin: germline.

Women's Health and Genetics/Laboratory Corporation of America, LabCorp
Classification: Likely benign. Last evaluated: 2026-01-22. Review status: criteria provided, single submitter. Criteria: LabCorp Variant Classification Summary - May 2015. Collection method: clinical testing. Allele origin: germline.

Genomic Medicine Center of Excellence, King Faisal Specialist Hospital and Research Centre
Classification: Likely benign. Last evaluated: 2025-08-18. Review status: criteria provided, single submitter. Criteria: ACMG Guidelines, 2015. Collection method: clinical testing. Allele origin: germline.

ARUP Laboratories, Molecular Genetics and Genomics, ARUP Laboratories
Classification: Benign for Combined immunodeficiency due to LRBA deficiency. Last evaluated: 2025-07-17. Review status: criteria provided, single submitter. Criteria: ARUP Molecular Germline Variant Investigation Process 2024. Collection method: clinical testing. Allele origin: germline.

Mayo Clinic Laboratories, Mayo Clinic
Classification: Benign. Last evaluated: 2025-01-08. Review status: criteria provided, single submitter. Criteria: ACMG Guidelines, 2015. Collection method: clinical testing. Allele origin: germline. Observed: 63 variant alleles.
Comment: BS1, BS2

Department of Pathology and Laboratory Medicine, Sinai Health System
Classification: Benign for Combined immunodeficiency due to LRBA deficiency. Last evaluated: 2023-01-18. Review status: criteria provided, single submitter. Criteria: ACMG Guidelines, 2015. Collection method: research. Allele origin: germline.

Breakthrough Genomics
Classification: Benign. Review status: criteria provided, single submitter. Criteria: ACMG Guidelines, 2015. Collection method: not provided. Allele origin: germline. Inheritance: Autosomal recessive inheritance. Affected: yes.

Genome Diagnostics Laboratory, University Medical Center Utrecht
Classification: Likely benign. Review status: no assertion criteria provided. Collection method: clinical testing. Allele origin: germline. Affected: yes. Study: VKGL Data-share Consensus. Not counted in ClinVar's aggregate classification.

Joint Genome Diagnostic Labs from Nijmegen and Maastricht, Radboudumc and MUMC+
Classification: Benign. Review status: no assertion criteria provided. Collection method: clinical testing. Allele origin: germline. Affected: yes. Study: VKGL Data-share Consensus. Not counted in ClinVar's aggregate classification.

NM_001364905.1(LRBA):c.2170A>G (p.Ile724Val)

Gene: LRBA (LPS responsive beige-like anchor protein; minus strand). Cytogenetic location: 4q31.3.
Variant type: single nucleotide variant.
Coding change: c.2170A>G on transcript NM_001364905.1 (MANE Select); coding-DNA position 2170, A replaced by G.
Protein change: p.Ile724Val; replaces isoleucine 724 with valine.
Molecular consequence: missense variant.
Genome position (GRCh38, 1-based): chr4:150,872,751, T>C on the plus strand (A>G on the coding strand, the complement: LRBA is on the minus strand). VCF-style: chr4-150872751-T-C. GRCh37 (hg19) VCF-style: chr4-151793903-T-C.
Other names: p.Ile724Val; c.2170A>G, p.Ile724Val (NM_001199282.3, NM_001367550.1, NM_006726.5); short protein forms I724V.
Identifiers: ClinVar variation 473170 (VCV000473170.28), dbSNP rs72719663, ClinGen allele CA3103335.